The following is an entry in ClinVar:

ClinVar aggregate classification (germline): Conflicting classifications of pathogenicity. Review status: criteria provided, conflicting classifications (1 of 4 stars). 2 submissions from 2 submitters: Uncertain significance (1); Likely benign (1). Last evaluated 2023-03-23.

Conditions:
Hereditary cancer-predisposing syndrome. Also called: Neoplastic Syndromes, Hereditary; Tumor predisposition; Hereditary Cancer Syndrome; Hereditary neoplastic syndrome. Identifiers: Orphanet 140162, MedGen C0027672, MeSH D009386, MONDO:0015356.

Submissions (2):

University of Washington Department of Laboratory Medicine, University of Washington
Classification: Likely benign for Hereditary cancer-predisposing syndrome. Last evaluated: 2023-03-23. Review status: criteria provided, single submitter. Criteria: Dines et al. (Genet Med. 2020). Collection method: curation. Allele origin: germline.
Comment: Missense variant in a coldspot region where missense variants are very unlikely to be pathogenic (PMID:31911673).

BRCA1 coldspot (exon 11 using historical exon numbering). Reclassification based on statistical prior probability

Color Diagnostics, LLC DBA Color Health
Classification: Uncertain significance for Hereditary cancer-predisposing syndrome. Last evaluated: 2019-06-22. Review status: criteria provided, single submitter. Criteria: ACMG Guidelines, 2015. Collection method: clinical testing. Allele origin: germline.

NM_007294.4(BRCA1):c.2158G>C (p.Glu720Gln)

Gene: BRCA1 (BRCA1 DNA repair associated; minus strand). Cytogenetic location: 17q21.31.
Variant type: single nucleotide variant.
Coding change: c.2158G>C on transcript NM_007294.4 (MANE Select); coding-DNA position 2158, G replaced by C.
Protein change: p.Glu720Gln; replaces glutamic acid 720 with glutamine.
Molecular consequence: missense variant. On other transcripts: intron variant (137).
Genome position (GRCh38, 1-based): chr17:43,093,373, C>G on the plus strand (G>C on the coding strand, the complement: BRCA1 is on the minus strand). VCF-style: chr17-43093373-C-G. GRCh37 (hg19) VCF-style: chr17-41245390-C-G.
Other names: c.2032G>C, p.Glu678Gln (NM_001407673.1, NM_001407649.1, NM_001407670.1 and 11 more transcripts); c.709+1371G>C (NM_001408414.1, NM_001408411.1, NM_001408412.1 and 2 more transcripts); c.2035G>C, p.Glu679Gln (NM_001407674.1, NM_001407675.1, NM_001407676.1 and 19 more transcripts); c.577+1371G>C (NM_001408514.1, NM_001408485.1, NM_001408481.1 and 9 more transcripts); c.661+1371G>C (NM_001408447.1, NM_001408433.1, NM_001408446.1 and 6 more transcripts); c.784+1371G>C (NM_001408400.1, NM_001407986.1, NM_001408392.1 and 13 more transcripts); c.664+1371G>C (NM_001408441.1, NM_001408436.1, NM_001408444.1 and 12 more transcripts); c.1945G>C, p.Glu649Gln (NM_001407571.1, NM_001407853.1, NM_001407894.1 and 9 more transcripts); and 41 more; short protein forms E673Q, E720Q, E424Q, E592Q, E608Q, E650Q, E672Q, E679Q.
Identifiers: ClinVar variation 921272 (VCV000921272.5), dbSNP rs80356875, ClinGen allele CA10597690.